The following is an entry in ClinVar:

ClinVar aggregate classification (germline): Uncertain significance (1 of 4 stars; one submission).

Conditions:
Epidermodysplasia verruciformis. Identifiers: Orphanet 302, MedGen C0014522, MONDO:0009176.

Submission:

Labcorp Genetics (formerly Invitae), Labcorp
Classification: Uncertain significance for Epidermodysplasia verruciformis. Last evaluated: 2026-01-05. Review status: criteria provided, single submitter. Criteria: Invitae Variant Classification Sherloc (09022015). Collection method: clinical testing. Allele origin: germline.
Comment: This sequence change replaces arginine, which is basic and polar, with serine, which is neutral and polar, at codon 76 of the TMC8 protein (p.Arg76Ser). This variant is not present in population databases (gnomAD no frequency). This variant has not been reported in the literature in individuals affected with TMC8-related conditions. Invitae Evidence Modeling of protein sequence and biophysical properties (such as structural, functional, and spatial information, amino acid conservation, physicochemical variation, residue mobility, and thermodynamic stability) indicates that this missense variant is not expected to disrupt TMC8 protein function with a negative predictive value of 80%. In summary, the available evidence is currently insufficient to determine the role of this variant in disease. Therefore, it has been classified as a Variant of Uncertain Significance.

NM_152468.5(TMC8):c.226C>A (p.Arg76Ser)

Genes: TMC6 (transmembrane channel like 6; minus strand), TMC8 (transmembrane channel like 8; plus strand), LOC130061792 (ATAC-STARR-seq lymphoblastoid silent region 9043; plus strand). Cytogenetic location: 17q25.3.
Variant type: single nucleotide variant.
Coding change: c.226C>A on transcript NM_152468.5 (MANE Select); coding-DNA position 226, C replaced by A.
Protein change: p.Arg76Ser; replaces arginine 76 with serine.
Molecular consequence: missense variant. On other transcripts: intron variant (1).
Genome position (GRCh38, 1-based): chr17:78,131,958, C>A. VCF-style: chr17-78131958-C-A. GRCh37 (hg19) VCF-style: chr17-76128039-C-A.
Other names: c.-75+383G>T (NM_007267.7); short protein forms R76S.
Identifiers: ClinVar variation 4741992 (VCV004741992.1).